The following is an entry in ClinVar:

ClinVar aggregate classification (germline): Pathogenic (1 of 4 stars; one submission).

Conditions:
Familial cancer of breast. Also called: BREAST CANCER, FAMILIAL; hereditary breast carcinoma; Hereditary breast cancer. Identifiers: Orphanet 227535, MedGen C0346153, MONDO:0016419, OMIM 114480. Disease mechanism: loss of function.

Submission:

Labcorp Genetics (formerly Invitae), Labcorp
Classification: Pathogenic for Familial cancer of breast. Last evaluated: 2021-02-21. Review status: criteria provided, single submitter. Criteria: Invitae Variant Classification Sherloc (09022015). Collection method: clinical testing. Allele origin: germline.
Comment: For these reasons, this variant has been classified as Pathogenic. This variant has not been reported in the literature in individuals with PALB2-related conditions. This variant is not present in population databases (ExAC no frequency). This sequence change creates a premature translational stop signal (p.Ile676Asnfs*39) in the PALB2 gene. It is expected to result in an absent or disrupted protein product. Loss-of-function variants in PALB2 are known to be pathogenic (PMID: 17200668, 24136930, 25099575).

Literature cited by the submitters: PubMed 17200668; PubMed 24136930; PubMed 25099575.

NM_024675.4(PALB2):c.2026dup (p.Ile676fs)

Gene: PALB2 (partner and localizer of BRCA2; minus strand). Cytogenetic location: 16p12.2.
Variant type: Duplication.
Coding change: c.2026dup on transcript NM_024675.4 (MANE Select); coding-DNA position 2026, one base duplicated (A; older notation c.2026dupA).
Protein change: p.Ile676fs; shifts the reading frame from isoleucine 676.
Molecular consequence: frameshift variant.
Genome position (GRCh38, 1-based): chr16:23,630,128, T duplicated on the plus strand (A on the coding strand, the reverse complement: PALB2 is on the minus strand). VCF-style (leftmost placement, unchanged base first): chr16-23630127-A-AT. GRCh37 (hg19) VCF-style: chr16-23641448-A-AT.
Other names: short protein forms I676fs.
Identifiers: ClinVar variation 1458380 (VCV001458380.7), dbSNP rs2142383088, ClinGen allele CA2573152226.